The following is an entry in ClinVar:

NM_001170700.3(DTHD1):c.959T>C (p.Leu320Pro)

Gene: DTHD1 (death domain containing 1; plus strand). Cytogenetic location: 4p14.
Variant type: single nucleotide variant.
Coding change: c.959T>C on transcript NM_001170700.3 (MANE Select); coding-DNA position 959, T replaced by C.
Protein change: p.Leu320Pro; replaces leucine 320 with proline.
Molecular consequence: missense variant. On other transcripts: non-coding transcript variant (2).
Genome position (GRCh38, 1-based): chr4:36,290,444, T>C. VCF-style: chr4-36290444-T-C. GRCh37 (hg19) VCF-style: chr4-36292066-T-C.
Other names: c.89T>C, p.Leu30Pro (NM_001136536.5, NM_001378435.1); short protein forms L30P, L320P.
Identifiers: ClinVar variation 2135222 (VCV002135222.4), dbSNP rs2529717211, ClinGen allele CA356678718.

ClinVar aggregate classification (germline): Uncertain significance (1 of 4 stars; one submission).

Submission:

Labcorp Genetics (formerly Invitae), Labcorp
Classification: Uncertain significance. Last evaluated: 2023-12-11. Review status: criteria provided, single submitter. Criteria: Invitae Variant Classification Sherloc (09022015). Collection method: clinical testing. Allele origin: germline.
Comment: This sequence change replaces leucine, which is neutral and non-polar, with proline, which is neutral and non-polar, at codon 30 of the DTHD1 protein (p.Leu30Pro). This variant is not present in population databases (gnomAD no frequency). This variant has not been reported in the literature in individuals affected with DTHD1-related conditions. ClinVar contains an entry for this variant (Variation ID: 2135222). An algorithm developed to predict the effect of missense changes on protein structure and function (PolyPhen-2) suggests that this variant is likely to be disruptive. In summary, the available evidence is currently insufficient to determine the role of this variant in disease. Therefore, it has been classified as a Variant of Uncertain Significance.